The following is an entry in ClinVar:

NM_182914.3(SYNE2):c.13850C>T (p.Thr4617Ile)

Gene: SYNE2 (spectrin repeat containing nuclear envelope protein 2; plus strand). Cytogenetic location: 14q23.2.
Variant type: single nucleotide variant.
Coding change: c.13850C>T on transcript NM_182914.3 (MANE Select); coding-DNA position 13850, C replaced by T.
Protein change: p.Thr4617Ile; replaces threonine 4617 with isoleucine.
Molecular consequence: missense variant.
Genome position (GRCh38, 1-based): chr14:64,126,740, C>T. VCF-style: chr14-64126740-C-T. GRCh37 (hg19) VCF-style: chr14-64593458-C-T.
Other names: c.13850C>T, p.Thr4617Ile (NM_015180.6); short protein forms T4617I.
Identifiers: ClinVar variation 282872 (VCV000282872.28), dbSNP rs148582250, ClinGen allele CA7222586.
Genomic context (GRCh38, chr14:64,126,740, plus strand): 5'-GCGAGAACACCAACTTGCTCCTTGAATGTTTTGACAACCTTCAAGTCTGCCTGGAGCACA[C>T]TCAGGCTGCAGCTGTCTGTAGAAGCAAGTCCCTGAAAGCTGGCCTCGATTACAACCGCAG-3'
Protein context (NP_878918.2, residues 4607-4627): FDNLQVCLEH[Thr4617Ile]QAAAVCRSKS

ClinVar aggregate classification (germline): Conflicting classifications of pathogenicity. Review status: criteria provided, conflicting classifications (1 of 4 stars). 8 submissions from 8 submitters: Uncertain significance (1); Benign (2); Likely benign (5). Last evaluated 2026-05-27.

Conditions:
Emery-Dreifuss muscular dystrophy 5, autosomal dominant (EDMD5). Also called: EMERY-DREIFUSS MUSCULAR DYSTROPHY 5. Identifiers: Orphanet 261, MedGen C2751805, MONDO:0013072, OMIM 612999.

Allele frequency attached by ClinVar (database versions not stated): 1000 Genomes Project 0.00040; ESP Exome Variant Server 0.00046; 1000 Genomes Project 30x 0.00047; gnomAD 0.00055 and 0.00086; ExAC 0.00060; gnomAD exomes 0.00062; TOPMed 0.00096.
gnomAD v4.1: 1,526 of 1,614,202 alleles (0.095%); highest among the groups gnomAD compares: Middle Eastern, 0.13%; 1 homozygote.

Submissions (8):

Women's Health and Genetics/Laboratory Corporation of America, LabCorp
Classification: Likely benign. Last evaluated: 2026-05-27. Review status: criteria provided, single submitter. Criteria: LabCorp Variant Classification Summary - May 2015. Collection method: clinical testing. Allele origin: germline.
Comment: Variant summary: SYNE2 c.13850C>T (p.Thr4617Ile) results in a non-conservative amino acid change in the encoded protein sequence. Algorithms developed to predict the effect of missense changes on protein structure and function are either unavailable or do not agree on the potential impact of this missense change. The variant allele was found at a frequency of 0.00095 in 1614202 control chromosomes, predominantly at a frequency of 0.0011 within the Non-Finnish European subpopulation in the gnomAD database, including 1 homozygotes. The observed variant frequency within Non-Finnish European control individuals in the gnomAD database exceeds the estimated maximal expected allele frequency for disease-causing variants in SYNE2. To our knowledge, no occurrence of c.13850C>T in individuals affected with SYNE2-related conditions and no experimental evidence demonstrating its impact on protein function have been reported. ClinVar contains an entry for this variant (Variation ID: 282872). Based on the evidence outlined above, the variant was classified as likely benign.

Labcorp Genetics (formerly Invitae), Labcorp
Classification: Likely benign for Emery-Dreifuss muscular dystrophy 5, autosomal dominant. Last evaluated: 2026-01-09. Review status: criteria provided, single submitter. Criteria: Invitae Variant Classification Sherloc (09022015). Collection method: clinical testing. Allele origin: germline.

CeGaT Center for Human Genetics Tuebingen
Classification: Benign. Last evaluated: 2025-11-01. Review status: criteria provided, single submitter. Criteria: CeGaT Center For Human Genetics Tuebingen Variant Classification Criteria Version 2. Collection method: clinical testing. Allele origin: germline. Affected: yes. Observed: 1 variant allele.
Comment: SYNE2: BP4, BS1, BS2

Blueprint Genetics
Classification: Likely benign. Last evaluated: 2024-10-24. Review status: criteria provided, single submitter. Criteria: ACMG Guidelines, 2015. Collection method: clinical testing. Allele origin: germline.

Ambry Genetics
Classification: Uncertain significance. Last evaluated: 2023-12-22. Review status: criteria provided, single submitter. Criteria: Ambry Variant Classification Scheme 2023. Collection method: clinical testing. Allele origin: germline.

Illumina Laboratory Services, Illumina
Classification: Benign for Emery-Dreifuss muscular dystrophy 5, autosomal dominant. Last evaluated: 2018-01-12. Review status: criteria provided, single submitter. Criteria: ICSL Variant Classification Criteria 13 December 2019. Collection method: clinical testing. Allele origin: germline.
Comment: This variant was observed in the ICSL laboratory as part of a predisposition screen in an ostensibly healthy population. It had not been previously curated by ICSL or reported in the Human Gene Mutation Database (HGMD: prior to June 1st, 2018), and was therefore a candidate for classification through an automated scoring system. Utilizing variant allele frequency, disease prevalence and penetrance estimates, and inheritance mode, an automated score was calculated to assess if this variant is too frequent to cause the disease. Based on the score and internal cut-off values, a variant classified as benign is not then subjected to further curation. The score for this variant resulted in a classification of benign for this disease.

Eurofins Ntd Llc (ga)
Classification: Likely benign. Last evaluated: 2015-09-09. Review status: criteria provided, single submitter. Criteria: EGL Classification Definitions 2015. Collection method: clinical testing. Allele origin: germline. Observed: 1 variant allele, 1 heterozygote.

Breakthrough Genomics
Classification: Likely benign. Review status: criteria provided, single submitter. Criteria: ACMG Guidelines, 2015. Collection method: not provided. Allele origin: germline. Inheritance: Autosomal dominant inheritance. Affected: yes.